The following is an entry in ClinVar:

ClinVar aggregate classification (germline): Conflicting classifications of pathogenicity. Review status: criteria provided, conflicting classifications (1 of 4 stars). 2 submissions from 2 submitters: Uncertain significance (1); Likely benign (1). Last evaluated 2024-06-25.

Allele frequency attached by ClinVar (database versions not stated): gnomAD exomes 0.00005; gnomAD 0.00008; TOPMed 0.00009; ESP Exome Variant Server 0.00022.
gnomAD v4.1: 83 of 1,551,636 alleles (0.0053%); highest among the groups gnomAD compares: Middle Eastern, 0.067%; no homozygotes.

Submissions (2):

Ambry Genetics
Classification: Uncertain significance. Last evaluated: 2024-06-25. Review status: criteria provided, single submitter. Criteria: Ambry Variant Classification Scheme 2023. Collection method: clinical testing. Allele origin: germline.

CeGaT Center for Human Genetics Tuebingen
Classification: Likely benign. Last evaluated: 2022-10-01. Review status: criteria provided, single submitter. Criteria: CeGaT Center For Human Genetics Tuebingen Variant Classification Criteria Version 2. Collection method: clinical testing. Allele origin: germline. Affected: yes. Observed: 1 variant allele.
Comment: AFAP1: BP4

NM_001134647.2(AFAP1):c.1546G>A (p.Gly516Ser)

Gene: AFAP1 (actin filament associated protein 1; minus strand). Cytogenetic location: 4p16.1.
Variant type: single nucleotide variant.
Coding change: c.1546G>A on transcript NM_001134647.2 (MANE Select); coding-DNA position 1546, G replaced by A.
Protein change: p.Gly516Ser; replaces glycine 516 with serine.
Molecular consequence: missense variant. On other transcripts: intron variant (3).
Genome position (GRCh38, 1-based): chr4:7,781,612, C>T on the plus strand (G>A on the coding strand, the complement: AFAP1 is on the minus strand). VCF-style: chr4-7781612-C-T. GRCh37 (hg19) VCF-style: chr4-7783339-C-T.
Other names: c.1546G>A (NM_001134647.1); c.1531-2736G>A (NM_001371091.1, NM_001371090.1, NM_198595.3); short protein forms G516S.
Identifiers: ClinVar variation 2654641 (VCV002654641.25), dbSNP rs368001545, ClinGen allele CA91988522.